The following is an entry in ClinVar:

ClinVar aggregate classification (germline): Benign/Likely benign. Review status: criteria provided, multiple submitters, no conflicts (2 of 4 stars). 2 submissions from 2 submitters: Benign (1); Likely benign (1). Last evaluated 2026-05-14.

Conditions:
Neurofibromatosis, type 1 (NF1). Also called: VON RECKLINGHAUSEN DISEASE; NEUROFIBROMATOSIS, TYPE I, SOMATIC; Neurofibromatosis, type I; Peripheral type neurofibromatosis. Identifiers: Orphanet 636, MedGen C0027831, MONDO:0018975, OMIM 162200. Disease mechanism: loss of function.

Allele frequency attached by ClinVar (database versions not stated): TOPMed below 0.00001; gnomAD 0.00001.

Submissions (2):

Myriad Genetics, Inc.
Classification: Benign for Neurofibromatosis, type 1. Last evaluated: 2026-05-14. Review status: criteria provided, single submitter. Criteria: Myriad Autosomal Dominant, Autosomal Recessive and X-Linked Classification Criteria (2023). Collection method: clinical testing. Allele origin: unknown.
Comment: This variant is considered benign. This variant is a silent/synonymous amino acid change and it is not expected to impact splicing.

Labcorp Genetics (formerly Invitae), Labcorp
Classification: Likely benign for Neurofibromatosis, type 1. Last evaluated: 2022-11-23. Review status: criteria provided, single submitter. Criteria: Invitae Variant Classification Sherloc (09022015). Collection method: clinical testing. Allele origin: germline.

NM_001042492.3(NF1):c.946C>T (p.Leu316=)

Gene: NF1 (neurofibromin 1; plus strand). Cytogenetic location: 17q11.2.
Variant type: single nucleotide variant.
Coding change: c.946C>T on transcript NM_001042492.3 (MANE Select); coding-DNA position 946, C replaced by T.
Protein change: p.Leu316=; no amino-acid change (leucine 316 retained).
Molecular consequence: synonymous variant.
Genome position (GRCh38, 1-based): chr17:31,200,479, C>T. VCF-style: chr17-31200479-C-T. GRCh37 (hg19) VCF-style: chr17-29527497-C-T.
Other names: c.946C>T, p.Leu316= (NM_000267.4, NM_001128147.3).
Identifiers: ClinVar variation 2816095 (VCV002816095.4), dbSNP rs966307444, ClinGen allele CA289348641.